The following is an entry in ClinVar:

NM_001372.4(DNAH9):c.11598G>T (p.Leu3866Phe)

Gene: DNAH9 (dynein axonemal heavy chain 9; plus strand). Cytogenetic location: 17p12.
Variant type: single nucleotide variant.
Coding change: c.11598G>T on transcript NM_001372.4 (MANE Select); coding-DNA position 11598, G replaced by T.
Protein change: p.Leu3866Phe; replaces leucine 3866 with phenylalanine.
Molecular consequence: missense variant.
Genome position (GRCh38, 1-based): chr17:11,902,910, G>T. VCF-style: chr17-11902910-G-T. GRCh37 (hg19) VCF-style: chr17-11806227-G-T.
Other names: c.534G>T, p.Leu178Phe (NM_004662.2); c.11598G>T (NM_001372.3); short protein forms L178F, L3866F.
Identifiers: ClinVar variation 2097538 (VCV002097538.4), dbSNP rs202200223, ClinGen allele CA8397877.
Genomic context (GRCh38, chr17:11,902,910, plus strand): 5'-AGCCCTGCAGCGCCTCTGCATGCTGAGAGCCATGCGGCCCGACCGGATGACCTATGCTTT[G>T]CGGTAGGAAACAGGGTGGTGGAAGGCCCAGCATAGGCATGGGGCAAGGGCAACCTCAGGA-3'
Protein context (NP_001363.2, residues 3856-3876): AMRPDRMTYA[Leu3866Phe]RDFVEEKLGS

ClinVar aggregate classification (germline): Uncertain significance. Review status: criteria provided, multiple submitters, no conflicts (2 of 4 stars). 2 submissions from 2 submitters: Uncertain significance (2). Last evaluated 2025-07-01.

Conditions:
Inborn genetic diseases. Identifiers: MedGen C0950123, MeSH D030342.

Allele frequency attached by ClinVar (database versions not stated): ExAC 0.00001; gnomAD 0.00001; TOPMed 0.00002; 1000 Genomes Project 30x 0.00016; 1000 Genomes Project 0.00020.
gnomAD v4.1: 25 of 1,612,294 alleles (0.0016%); highest among the groups gnomAD compares: Admixed American, 0.0067%; no homozygotes.

Submissions (2):

Ambry Genetics
Classification: Uncertain significance for Inborn genetic diseases. Last evaluated: 2025-07-01. Review status: criteria provided, single submitter. Criteria: Ambry Variant Classification Scheme 2023. Collection method: clinical testing. Allele origin: germline.

Labcorp Genetics (formerly Invitae), Labcorp
Classification: Uncertain significance. Last evaluated: 2022-05-13. Review status: criteria provided, single submitter. Criteria: Invitae Variant Classification Sherloc (09022015). Collection method: clinical testing. Allele origin: germline.
Comment: In summary, the available evidence is currently insufficient to determine the role of this variant in disease. Therefore, it has been classified as a Variant of Uncertain Significance. Algorithms developed to predict the effect of missense changes on protein structure and function are either unavailable or do not agree on the potential impact of this missense change (SIFT: "Tolerated"; PolyPhen-2: "Possibly Damaging"; Align-GVGD: "Class C0"). This variant has not been reported in the literature in individuals affected with DNAH9-related conditions. This variant is present in population databases (rs202200223, gnomAD 0.006%). This sequence change replaces leucine, which is neutral and non-polar, with phenylalanine, which is neutral and non-polar, at codon 3866 of the DNAH9 protein (p.Leu3866Phe).